The following is an entry in ClinVar:

NM_024675.4(PALB2):c.14C>T (p.Pro5Leu)

Gene: PALB2 (partner and localizer of BRCA2; minus strand). Cytogenetic location: 16p12.2.
Variant type: single nucleotide variant.
Coding change: c.14C>T on transcript NM_024675.4 (MANE Select); coding-DNA position 14, C replaced by T.
Protein change: p.Pro5Leu; replaces proline 5 with leucine.
Molecular consequence: missense variant.
Genome position (GRCh38, 1-based): chr16:23,641,144, G>A on the plus strand (C>T on the coding strand, the complement: PALB2 is on the minus strand). VCF-style: chr16-23641144-G-A. GRCh37 (hg19) VCF-style: chr16-23652465-G-A.
Other names: short protein forms P5L.
Identifiers: ClinVar variation 918643 (VCV000918643.10), dbSNP rs1967234897, ClinGen allele CA395141197.

ClinVar aggregate classification (germline): Uncertain significance. Review status: criteria provided, multiple submitters, no conflicts (2 of 4 stars). 3 submissions from 3 submitters: Uncertain significance (3). Last evaluated 2026-07-07.

Conditions:
Hereditary cancer-predisposing syndrome. Also called: Neoplastic Syndromes, Hereditary; Hereditary Cancer Syndrome; Tumor predisposition; Hereditary neoplastic syndrome. Identifiers: Orphanet 140162, MedGen C0027672, MeSH D009386, MONDO:0015356.
Familial cancer of breast. Also called: Hereditary breast cancer; BREAST CANCER, FAMILIAL; hereditary breast carcinoma. Identifiers: Orphanet 227535, MedGen C0346153, MONDO:0016419, OMIM 114480. Disease mechanism: loss of function.

Submissions (3):

Ambry Genetics
Classification: Uncertain significance for Hereditary cancer-predisposing syndrome. Last evaluated: 2026-07-07. Review status: criteria provided, single submitter. Criteria: Ambry Variant Classification Scheme 2023. Collection method: clinical testing. Allele origin: germline.
Comment: The p.P5L variant (also known as c.14C>T), located in coding exon 1 of the PALB2 gene, results from a C to T substitution at nucleotide position 14. The proline at codon 5 is replaced by leucine, an amino acid with similar properties. This amino acid position is conserved. In addition, this alteration is predicted to be tolerated by in silico analysis. Based on the available evidence, the clinical significance of this variant remains unclear.

Labcorp Genetics (formerly Invitae), Labcorp
Classification: Uncertain significance for Familial cancer of breast. Last evaluated: 2023-12-16. Review status: criteria provided, single submitter. Criteria: Invitae Variant Classification Sherloc (09022015). Collection method: clinical testing. Allele origin: germline.
Comment: This sequence change replaces proline, which is neutral and non-polar, with leucine, which is neutral and non-polar, at codon 5 of the PALB2 protein (p.Pro5Leu). This variant is not present in population databases (gnomAD no frequency). This variant has not been reported in the literature in individuals affected with PALB2-related conditions. ClinVar contains an entry for this variant (Variation ID: 918643). Algorithms developed to predict the effect of missense changes on protein structure and function output the following: SIFT: "Not Available"; PolyPhen-2: "Benign"; Align-GVGD: "Not Available". The leucine amino acid residue is found in multiple mammalian species, which suggests that this missense change does not adversely affect protein function. In summary, the available evidence is currently insufficient to determine the role of this variant in disease. Therefore, it has been classified as a Variant of Uncertain Significance.

Color Diagnostics, LLC DBA Color Health
Classification: Uncertain significance for Hereditary cancer-predisposing syndrome. Last evaluated: 2023-12-04. Review status: criteria provided, single submitter. Criteria: ACMG Guidelines, 2015. Collection method: clinical testing. Allele origin: germline.
Comment: This missense variant replaces proline with leucine at codon 5 of the PALB2 protein. Computational prediction suggests that this variant may not impact protein structure and function (internally defined REVEL score threshold <= 0.5, PMID: 27666373). To our knowledge, functional studies have not been reported for this variant. This variant has not been reported in individuals affected with PALB2-related disorders in the literature. This variant has not been identified in the general population by the Genome Aggregation Database (gnomAD). The available evidence is insufficient to determine the role of this variant in disease conclusively. Therefore, this variant is classified as a Variant of Uncertain Significance.